The following is an entry in ClinVar:

ClinVar aggregate classification (germline): Uncertain significance (1 of 4 stars; one submission).

Conditions:
Gorlin syndrome. Also called: Nevoid Basal Cell Carcinoma Syndrome; Basal cell nevus syndrome. Identifiers: Orphanet 377, MedGen C0004779, MONDO:0007187.

gnomAD v4.1: 5 of 1,568,252 alleles (0.00032%); highest among the groups gnomAD compares: Admixed American, 0.0076%; no homozygotes.

Submission:

Labcorp Genetics (formerly Invitae), Labcorp
Classification: Uncertain significance for Gorlin syndrome. Last evaluated: 2025-07-31. Review status: criteria provided, single submitter. Criteria: Invitae Variant Classification Sherloc (09022015). Collection method: clinical testing. Allele origin: germline.
Comment: This sequence change replaces glutamic acid, which is acidic and polar, with lysine, which is basic and polar, at codon 480 of the PTCH2 protein (p.Glu480Lys). This variant is not present in population databases (gnomAD no frequency). This variant has not been reported in the literature in individuals affected with PTCH2-related conditions. Invitae Evidence Modeling of protein sequence and biophysical properties (such as structural, functional, and spatial information, amino acid conservation, physicochemical variation, residue mobility, and thermodynamic stability) indicates that this missense variant is not expected to disrupt PTCH2 protein function with a negative predictive value of 80%. In summary, the available evidence is currently insufficient to determine the role of this variant in disease. Therefore, it has been classified as a Variant of Uncertain Significance.

NM_003738.5(PTCH2):c.1438G>A (p.Glu480Lys)

Gene: PTCH2 (patched 2; minus strand). Cytogenetic location: 1p34.1.
Variant type: single nucleotide variant.
Coding change: c.1438G>A on transcript NM_003738.5 (MANE Select); coding-DNA position 1438, G replaced by A.
Protein change: p.Glu480Lys; replaces glutamic acid 480 with lysine.
Molecular consequence: missense variant.
Genome position (GRCh38, 1-based): chr1:44,829,008, C>T on the plus strand (G>A on the coding strand, the complement: PTCH2 is on the minus strand). VCF-style: chr1-44829008-C-T. GRCh37 (hg19) VCF-style: chr1-45294680-C-T.
Other names: c.1438G>A, p.Glu480Lys (NM_001166292.2); short protein forms E480K.
Identifiers: ClinVar variation 4740881 (VCV004740881.1).